The following is an entry in ClinVar:

ClinVar aggregate classification (germline): Uncertain significance (1 of 4 stars; one submission).

Conditions:
RASopathy. Also called: rasopathies; Noonan spectrum disorder. Identifiers: Orphanet 536391, MedGen C5555857, MONDO:0021060.

gnomAD v4.1: 1 of 1,576,850 alleles (0.000063%); highest among the groups gnomAD compares: Non-Finnish European, 0.000087%; no homozygotes.

Submission:

Labcorp Genetics (formerly Invitae), Labcorp
Classification: Uncertain significance for RASopathy. Last evaluated: 2025-07-30. Review status: criteria provided, single submitter. Criteria: Invitae Variant Classification Sherloc (09022015). Collection method: clinical testing. Allele origin: germline.
Comment: This sequence change falls in intron 8 of the MAP2K2 gene. It does not directly change the encoded amino acid sequence of the MAP2K2 protein. It affects a nucleotide within the consensus splice site. This variant is not present in population databases (gnomAD no frequency). This variant has not been reported in the literature in individuals affected with MAP2K2-related conditions. Variants that disrupt the consensus splice site are a relatively common cause of aberrant splicing (PMID: 17576681, 9536098). Algorithms developed to predict the effect of sequence changes on RNA splicing suggest that this variant may disrupt the consensus splice site. In summary, the available evidence is currently insufficient to determine the role of this variant in disease. Therefore, it has been classified as a Variant of Uncertain Significance.

Literature cited by the submitters: PubMed 17576681; PubMed 9536098.

NM_030662.4(MAP2K2):c.984+5G>C

Gene: MAP2K2 (mitogen-activated protein kinase kinase 2; minus strand). Cytogenetic location: 19p13.3.
Variant type: single nucleotide variant.
Coding change: c.984+5G>C on transcript NM_030662.4 (MANE Select); 5 bases into the intron after coding-DNA position 984, G replaced by C.
Molecular consequence: intron variant.
Genome position (GRCh38, 1-based): chr19:4,097,274, C>G on the plus strand (G>C on the coding strand, the complement: MAP2K2 is on the minus strand). VCF-style: chr19-4097274-C-G. GRCh37 (hg19) VCF-style: chr19-4097272-C-G.
Other names: c.706-1825G>C (NM_001440688.1); c.414+5G>C (NM_001440689.1).
Identifiers: ClinVar variation 4724485 (VCV004724485.1).